The following is an entry in ClinVar:

NM_004415.4(DSP):c.1351C>G (p.Arg451Gly)

Gene: DSP (desmoplakin; plus strand). Cytogenetic location: 6p24.3.
Variant type: single nucleotide variant.
Coding change: c.1351C>G on transcript NM_004415.4 (MANE Select); coding-DNA position 1351, C replaced by G.
Protein change: p.Arg451Gly; replaces arginine 451 with glycine.
Molecular consequence: missense variant.
Genome position (GRCh38, 1-based): chr6:7,568,521, C>G. VCF-style: chr6-7568521-C-G. GRCh37 (hg19) VCF-style: chr6-7568754-C-G.
Other names: c.1351C>G, p.Arg451Gly (NM_001008844.3, NM_001319034.2); short protein forms R451G.
Identifiers: ClinVar variation 948761 (VCV000948761.13), dbSNP rs1057518309, ClinGen allele CA362676532.

ClinVar aggregate classification (germline): Pathogenic. Review status: criteria provided, multiple submitters, no conflicts (2 of 4 stars). 3 submissions from 3 submitters: Pathogenic (3). Last evaluated 2025-12-17.

Conditions:
Arrhythmogenic cardiomyopathy with wooly hair and keratoderma. Also called: Arrhythmogenic cardiomyopathy with woolly hair and keratoderma; PALMOPLANTAR KERATODERMA WITH LEFT VENTRICULAR CARDIOMYOPATHY AND WOOLLY HAIR; Dilated cardiomyopathy with woolly hair and keratoderma; Carvajal syndrome. Identifiers: Orphanet 65282, MedGen C1854063, MONDO:0011581, OMIM 605676.
Arrhythmogenic right ventricular dysplasia 8 (ARVD8). Also called: Arrhythmogenic Right Ventricular Dysplasia/Cardiomyopathy 8; ARRHYTHMOGENIC RIGHT VENTRICULAR DYSPLASIA, FAMILIAL, 8; ARRHYTHMOGENIC RIGHT VENTRICULAR CARDIOMYOPATHY 8. Identifiers: MedGen C1843896, MONDO:0011831, OMIM 607450.
Cardiovascular phenotype. Identifiers: MedGen CN230736.

Allele frequency attached by ClinVar (database versions not stated): gnomAD exomes below 0.00001.
gnomAD v4.1: 1 of 1,614,104 alleles (0.000062%); highest among the groups gnomAD compares: Non-Finnish European, 0.000085%; no homozygotes.

Submissions (3):

Labcorp Genetics (formerly Invitae), Labcorp
Classification: Pathogenic for Arrhythmogenic cardiomyopathy with wooly hair and keratoderma; Arrhythmogenic right ventricular dysplasia 8. Last evaluated: 2025-12-17. Review status: criteria provided, single submitter. Criteria: Invitae Variant Classification Sherloc (09022015). Collection method: clinical testing. Allele origin: germline.
Comment: This sequence change replaces arginine, which is basic and polar, with glycine, which is neutral and non-polar, at codon 451 of the DSP protein (p.Arg451Gly). This variant is not present in population databases (gnomAD no frequency). This missense change has been observed in individuals with DSP-related conditions (PMID: 31194698; internal data). It has also been observed to segregate with disease in related individuals. ClinVar contains an entry for this variant (Variation ID: 948761). An algorithm developed to predict the effect of missense changes on protein structure and function (PolyPhen-2) suggests that this variant is likely to be disruptive. Experimental studies have shown that this missense change affects DSP function (PMID: 31194698). For these reasons, this variant has been classified as Pathogenic.

Ambry Genetics
Classification: Pathogenic for Cardiovascular phenotype. Last evaluated: 2024-10-29. Review status: criteria provided, single submitter. Criteria: Ambry Variant Classification Scheme 2023. Collection method: clinical testing. Allele origin: germline.
Comment: The p.R451G pathogenic mutation (also known as c.1351C>G), located in coding exon 11 of the DSP gene, results from a C to G substitution at nucleotide position 1351. The arginine at codon 451 is replaced by glycine, an amino acid with dissimilar properties. This variant was reported in multiple individuals with features consistent with arrhythmogenic right ventricular cardiomyopathy (ARVC) and dilated cardiomyopathy (DCM) and segregated with disease in at least one family (Ng R et al. JCI Insight, 2019 Jun;5:[ePub ahead of print]; Bourfiss M et al. Circ Genom Precis Med, 2022 Dec;15:e003704; Wang W et al. Europace, 2022 Feb;24:268-277). In multiple assays testing DSP function, this variant showed functionally abnormal results (Hoover CA et al. J Pers Med. 2021 May 12;11(5):401; Stevens TL et al. Cells. 2022 Sep 29;11(19):3049; Romov IM et al. J Pers Med. 2024 Jan 31;14(2):163). This variant is considered to be rare based on population cohorts in the Genome Aggregation Database (gnomAD). In addition, this alteration is predicted to be deleterious by in silico analysis. Based on the supporting evidence, this variant is interpreted as a disease-causing mutation.

GeneDx
Classification: Pathogenic. Last evaluated: 2022-03-17. Review status: criteria provided, single submitter. Criteria: GeneDx Variant Classification Process June 2021. Collection method: clinical testing. Allele origin: germline. Affected: yes.
Comment: Not observed in large population cohorts (gnomAD); In silico analysis supports that this missense variant has a deleterious effect on protein structure/function; Published functional studies demonstrate p.(R451G) causes desmoplakin insufficiency by increasing susceptibility to proteolytic degradation by calpain (Ng et al., 2019); This variant is associated with the following publications: (PMID: 31194698)

Literature cited by the submitters: PubMed 31194698 (cited by Labcorp Genetics (formerly Invitae), Labcorp and Ambry Genetics); PubMed 34352074 (cited by Ambry Genetics); PubMed 36264615 (cited by Ambry Genetics).